The following is an entry in ClinVar:

ClinVar aggregate classification (germline): Conflicting classifications of pathogenicity. Review status: criteria provided, conflicting classifications (1 of 4 stars). 2 submissions from 2 submitters: Uncertain significance (1); Likely benign (1). Last evaluated 2024-11-11.

Conditions:
Spinocerebellar ataxia, autosomal recessive, with axonal neuropathy 2 (SCAN2). Also called: Ataxia-ocular apraxia-2; ATAXIA-OCULOMOTOR APRAXIA 2; Ataxia with Oculomotor Apraxia; Ataxia with Oculomotor Apraxia Type 2. Identifiers: Orphanet 64753, MedGen C1853761, MONDO:0018996, OMIM 606002.
Amyotrophic lateral sclerosis type 4 (ALS4). Also called: AMYOTROPHIC LATERAL SCLEROSIS 4, JUVENILE; NEURONOPATHY, DISTAL HEREDITARY MOTOR, WITH PYRAMIDAL FEATURES. Identifiers: Orphanet 357043, MedGen C1865409, MONDO:0011223, OMIM 602433.
SETX-related disorder. Also called: SETX-related disorders; SETX-related condition. Identifiers: MedGen CN239403.

Allele frequency attached by ClinVar (database versions not stated): gnomAD exomes below 0.00001 and 0.00002; TOPMed 0.00003; gnomAD 0.00004.
gnomAD v4.1: 44 of 1,613,728 alleles (0.0027%); highest among the groups gnomAD compares: Non-Finnish European, 0.0034%; no homozygotes.

Submissions (2):

PreventionGenetics, part of Exact Sciences
Classification: Uncertain significance for SETX-related condition. Last evaluated: 2024-11-11. Review status: criteria provided, single submitter. Criteria: ACMG Guidelines, 2015. Collection method: clinical testing. Allele origin: germline.
Comment: The SETX c.2261C>G variant is predicted to result in the amino acid substitution p.Ala754Gly. To our knowledge, this variant has not been reported in the literature. This variant is reported in 0.00088% of alleles in individuals of European (Non-Finnish) descent in gnomAD. At this time, the clinical significance of this variant is uncertain due to the absence of conclusive functional and genetic evidence.

Labcorp Genetics (formerly Invitae), Labcorp
Classification: Likely benign for Amyotrophic lateral sclerosis type 4; Spinocerebellar ataxia, autosomal recessive, with axonal neuropathy 2. Last evaluated: 2023-11-13. Review status: criteria provided, single submitter. Criteria: Invitae Variant Classification Sherloc (09022015). Collection method: clinical testing. Allele origin: germline.

NM_015046.7(SETX):c.2261C>G (p.Ala754Gly)

Gene: SETX (senataxin; minus strand). Cytogenetic location: 9q34.13.
Variant type: single nucleotide variant.
Coding change: c.2261C>G on transcript NM_015046.7 (MANE Select); coding-DNA position 2261, C replaced by G.
Protein change: p.Ala754Gly; replaces alanine 754 with glycine.
Molecular consequence: missense variant.
Genome position (GRCh38, 1-based): chr9:132,329,337, G>C on the plus strand (C>G on the coding strand, the complement: SETX is on the minus strand). VCF-style: chr9-132329337-G-C. GRCh37 (hg19) VCF-style: chr9-135204724-G-C.
Other names: c.2261C>G, p.Ala754Gly (NM_001351527.2, NM_001351528.2); short protein forms A754G.
Identifiers: ClinVar variation 941578 (VCV000941578.12), dbSNP rs764538703, ClinGen allele CA200812956.
Genomic context (GRCh38, chr9:132,329,337, plus strand): 5'-TTAGCAAGAGCATCATCCTTTAAAGAGAAATCTTCATTCGATGTGGACACTTTTTCCAAA[G>C]CATCAGTGCTAGAATCAGTCAACAAACGTGTTGATACTATTATTCCTCTGTCACATCCCC-3'
Protein context (NP_055861.3, residues 744-764): TRLLTDSSTD[Ala754Gly]LEKVSTSNED